The following is an entry in ClinVar:

ClinVar aggregate classification (germline): Benign (1 of 4 stars; one submission).

Conditions:
Oligodontia-cancer predisposition syndrome. Also called: TOOTH AGENESIS-COLORECTAL CANCER SYNDROME. Identifiers: Orphanet 300576, MedGen C1837750, MONDO:0012075, OMIM 608615. Disease mechanism: loss of function.

Submission:

Myriad Genetics, Inc.
Classification: Benign for Oligodontia-cancer predisposition syndrome. Last evaluated: 2024-07-09. Review status: criteria provided, single submitter. Criteria: Myriad Autosomal Dominant, Autosomal Recessive and X-Linked Classification Criteria (2023). Collection method: clinical testing. Allele origin: unknown.
Comment: This variant is considered benign. This variant is a silent/synonymous amino acid change and it is not expected to impact splicing.

NM_004655.4(AXIN2):c.2070A>C (p.Pro690=)

Gene: AXIN2 (axin 2; minus strand). Cytogenetic location: 17q24.1.
Variant type: single nucleotide variant.
Coding change: c.2070A>C on transcript NM_004655.4 (MANE Select); coding-DNA position 2070, A replaced by C.
Protein change: p.Pro690=; no amino-acid change (proline 690 retained).
Molecular consequence: synonymous variant.
Genome position (GRCh38, 1-based): chr17:65,536,391, T>G on the plus strand (A>C on the coding strand, the complement: AXIN2 is on the minus strand). VCF-style: chr17-65536391-T-G. GRCh37 (hg19) VCF-style: chr17-63532509-T-G.
Other names: c.1875A>C, p.Pro625= (NM_001363813.1).
Identifiers: ClinVar variation 3378994 (VCV003378994.1).
Genomic context (GRCh38, chr17:65,536,391, plus strand): 5'-GGGCTTCGACACCTCAGCTAGCCTGCGACAGGCCTCCTCCAGCTGAGCCAGCGTGTTGGG[T>G]GGGGTCAGGGGAGGCATCGCAGGGTCCTGGGTGAACAGGTGGGCACGGGGGGTGGTGCGG-3'
Protein context (NP_004646.3, residues 680-700): TQDPAMPPLT[Pro690=]PNTLAQLEEA